The following is an entry in ClinVar:

ClinVar aggregate classification (germline): Uncertain significance (1 of 4 stars; one submission).

Conditions:
Saldino-Mainzer syndrome (SRTD9). Also called: CONORENAL SYNDROME; Renal dysplasia, retinal pigmentary dystrophy, cerebellar ataxia and skeletal dysplasia; short-rib thoracic dysplasia 9 with or without polydactyly; SHORT-RIB THORACIC DYSPLASIA 9 WITHOUT POLYDACTYLY. Identifiers: Orphanet 140969, MedGen C1849437, MONDO:0009964, OMIM 266920.

Submission:

Labcorp Genetics (formerly Invitae), Labcorp
Classification: Uncertain significance for Saldino-Mainzer syndrome. Last evaluated: 2022-04-28. Review status: criteria provided, single submitter. Criteria: Invitae Variant Classification Sherloc (09022015). Collection method: clinical testing. Allele origin: germline.
Comment: ClinVar contains an entry for this variant (Variation ID: 1040650). This variant, c.3877_3879del, results in the deletion of 1 amino acid(s) of the IFT140 protein (p.Glu1293del), but otherwise preserves the integrity of the reading frame. This variant is not present in population databases (gnomAD no frequency). This variant has not been reported in the literature in individuals affected with IFT140-related conditions. In summary, the available evidence is currently insufficient to determine the role of this variant in disease. Therefore, it has been classified as a Variant of Uncertain Significance. Algorithms developed to predict the effect of sequence changes on RNA splicing suggest that this variant may create or strengthen a splice site.

NM_014714.4(IFT140):c.3877_3879del (p.Glu1293del)

Gene: IFT140 (intraflagellar transport 140; minus strand). Cytogenetic location: 16p13.3.
Variant type: Deletion.
Coding change: c.3877_3879del on transcript NM_014714.4 (MANE Select); coding-DNA positions 3877 to 3879, 3 bases deleted (GAG; older notation c.3877_3879delGAG).
Protein change: p.Glu1293del; deletes glutamic acid 1293.
Molecular consequence: inframe deletion.
Genome position (GRCh38, 1-based): chr16:1,520,042-1,520,044, CTC deleted on the plus strand (GAG on the coding strand, the reverse complement: IFT140 is on the minus strand); deleting any 3 consecutive bases within chr16:1,520,042-1,520,045 gives the same sequence; the c. name uses the placement nearest the transcript's 3' end. VCF-style (leftmost placement, unchanged base first): chr16-1520041-TCTC-T. GRCh37 (hg19) VCF-style: chr16-1570042-TCTC-T.
Other names: short protein forms E1293del.
Identifiers: ClinVar variation 1040650 (VCV001040650.8), dbSNP rs1413533372, ClinGen allele CA718382703.